The following is an entry in ClinVar:

NM_002469.3(MYF6):c.145C>G (p.Pro49Ala)

Gene: MYF6 (myogenic factor 6; plus strand). Cytogenetic location: 12q21.31.
Variant type: single nucleotide variant.
Coding change: c.145C>G on transcript NM_002469.3 (MANE Select); coding-DNA position 145, C replaced by G.
Protein change: p.Pro49Ala; replaces proline 49 with alanine.
Molecular consequence: missense variant.
Genome position (GRCh38, 1-based): chr12:80,707,864, C>G. VCF-style: chr12-80707864-C-G. GRCh37 (hg19) VCF-style: chr12-81101643-C-G.
Other names: short protein forms P49A.
Identifiers: ClinVar variation 1933766 (VCV001933766.6), dbSNP rs753280057, ClinGen allele CA385862453.

ClinVar aggregate classification (germline): Uncertain significance (1 of 4 stars; one submission).

Conditions:
Autosomal dominant centronuclear myopathy. Also called: Myopathy, centronuclear, 3; MYOTUBULAR MYOPATHY, AUTOSOMAL DOMINANT. Identifiers: Orphanet 169189, MedGen C4551952, MeSH D020914, MONDO:0008048, OMIM 160150.

gnomAD v4.1: 4 of 1,614,064 alleles (0.00025%); highest among the groups gnomAD compares: Non-Finnish European, 0.00034%; no homozygotes.

Submission:

Labcorp Genetics (formerly Invitae), Labcorp
Classification: Uncertain significance for Autosomal dominant centronuclear myopathy. Last evaluated: 2022-09-01. Review status: criteria provided, single submitter. Criteria: Invitae Variant Classification Sherloc (09022015). Collection method: clinical testing. Allele origin: germline.
Comment: This sequence change replaces proline, which is neutral and non-polar, with alanine, which is neutral and non-polar, at codon 49 of the MYF6 protein (p.Pro49Ala). This variant is present in population databases (no rsID available, gnomAD 0.0009%). This variant has not been reported in the literature in individuals affected with MYF6-related conditions. Algorithms developed to predict the effect of missense changes on protein structure and function (SIFT, PolyPhen-2, Align-GVGD) all suggest that this variant is likely to be tolerated. In summary, the available evidence is currently insufficient to determine the role of this variant in disease. Therefore, it has been classified as a Variant of Uncertain Significance.